The following is an entry in ClinVar:

NM_002381.5(MATN3):c.1109C>T (p.Ser370Phe)

Genes: MATN3 (matrilin 3; minus strand), WDR35-DT (WDR35 divergent transcript; plus strand). Cytogenetic location: 2p24.1.
Variant type: single nucleotide variant.
Coding change: c.1109C>T on transcript NM_002381.5 (MANE Select); coding-DNA position 1109, C replaced by T.
Protein change: p.Ser370Phe; replaces serine 370 with phenylalanine.
Molecular consequence: missense variant.
Genome position (GRCh38, 1-based): chr2:20,000,500, G>A on the plus strand (C>T on the coding strand, the complement: MATN3 is on the minus strand). VCF-style: chr2-20000500-G-A. GRCh37 (hg19) VCF-style: chr2-20200261-G-A.
Other names: short protein forms S370F.
Identifiers: ClinVar variation 3696027 (VCV003696027.2).
Genomic context (GRCh38, chr2:20,000,500, plus strand): 5'-CCTGAACATGTTTTTTTATCTGCATTCAGAGTGTAGCCCTCATAGCATTCACAATGATGG[G>A]ACCCTGTTCTGTCATTCACACAAATGTGCTGACACCCATGGGTACCCAAAGCACATTTAT-3'
Protein context (NP_002372.1, residues 360-380): QHICVNDRTG[Ser370Phe]HHCECYEGYT

ClinVar aggregate classification (germline): Uncertain significance (1 of 4 stars; one submission).

Submission:

Labcorp Genetics (formerly Invitae), Labcorp
Classification: Uncertain significance. Last evaluated: 2024-03-08. Review status: criteria provided, single submitter. Criteria: Invitae Variant Classification Sherloc (09022015). Collection method: clinical testing. Allele origin: germline.
Comment: This sequence change replaces serine, which is neutral and polar, with phenylalanine, which is neutral and non-polar, at codon 370 of the MATN3 protein (p.Ser370Phe). This variant is not present in population databases (gnomAD no frequency). This variant has not been reported in the literature in individuals affected with MATN3-related conditions. Advanced modeling of protein sequence and biophysical properties (such as structural, functional, and spatial information, amino acid conservation, physicochemical variation, residue mobility, and thermodynamic stability) performed at Invitae indicates that this missense variant is expected to disrupt MATN3 protein function with a positive predictive value of 80%. In summary, the available evidence is currently insufficient to determine the role of this variant in disease. Therefore, it has been classified as a Variant of Uncertain Significance.